The following is an entry in ClinVar:

NM_002474.3(MYH11):c.5450C>T (p.Ala1817Val)

Genes: NDE1 (nudE neurodevelopment protein 1; plus strand), MYH11 (myosin heavy chain 11; minus strand). Cytogenetic location: 16p13.11.
Variant type: single nucleotide variant.
Coding change: c.5450C>T on transcript NM_002474.3 (MANE Select); coding-DNA position 5450, C replaced by T.
Protein change: p.Ala1817Val; replaces alanine 1817 with valine.
Molecular consequence: missense variant. On other transcripts: intron variant (2).
Genome position (GRCh38, 1-based): chr16:15,717,194, G>A on the plus strand (C>T on the coding strand, the complement: MYH11 is on the minus strand). VCF-style: chr16-15717194-G-A. GRCh37 (hg19) VCF-style: chr16-15811051-G-A.
Other names: p.A1817V:GCG>GTG; c.5471C>T, p.Ala1824Val (NM_001040113.2, NM_001040114.2); c.5450C>T, p.Ala1817Val (NM_022844.3); c.948-6997G>A (NM_001143979.2, NM_017668.3); short protein forms A1817V, A1824V.
Identifiers: ClinVar variation 201085 (VCV000201085.32), dbSNP rs142654744, ClinGen allele CA306598.

ClinVar aggregate classification (germline): Conflicting classifications of pathogenicity. Review status: criteria provided, conflicting classifications (1 of 4 stars). 7 submissions from 7 submitters: Uncertain significance (2); Likely benign (4). 1 of the submissions does not count toward it. Last evaluated 2026-01-11.

Conditions:
Connective tissue disorder. Also called: Connective tissue disease. Identifiers: MedGen C0009782, MONDO:0003900.
Aortic aneurysm, familial thoracic 4 (AAT4). Also called: AORTIC ANEURYSM/AORTIC DISSECTION AND PATENT DUCTUS ARTERIOSUS. Identifiers: MedGen C1851504, MONDO:0007568, OMIM 132900.
MYH11-related disorder. Also called: MYH11-related condition.
Familial thoracic aortic aneurysm and aortic dissection (TAAD). Also called: Thoracic aortic aneurysms and dissections. Identifiers: Orphanet 91387, MedGen C4707243, MONDO:0019625.

Allele frequency attached by ClinVar (database versions not stated): gnomAD exomes 0.00008; ExAC 0.00009; TOPMed 0.00021; ESP Exome Variant Server 0.00023; gnomAD 0.00029 and 0.00031.
gnomAD v4.1: 94 of 1,614,058 alleles (0.0058%); highest among the groups gnomAD compares: African/African-American, 0.095%; no homozygotes.

Submissions (7):

Labcorp Genetics (formerly Invitae), Labcorp
Classification: Likely benign for Aortic aneurysm, familial thoracic 4. Last evaluated: 2026-01-11. Review status: criteria provided, single submitter. Criteria: Invitae Variant Classification Sherloc (09022015). Collection method: clinical testing. Allele origin: germline.

Ambry Genetics
Classification: Uncertain significance for Familial thoracic aortic aneurysm and aortic dissection. Last evaluated: 2025-07-11. Review status: criteria provided, single submitter. Criteria: Ambry Variant Classification Scheme 2023. Collection method: clinical testing. Allele origin: germline.
Comment: The p.A1817V variant (also known as c.5450C>T), located in coding exon 37 of the MYH11 gene, results from a C to T substitution at nucleotide position 5450. The alanine at codon 1817 is replaced by valine, an amino acid with similar properties. This amino acid position is not well conserved in available vertebrate species. In addition, this alteration is predicted to be tolerated by in silico analysis. Based on the available evidence, the clinical significance of this variant remains unclear.

GeneDx
Classification: Uncertain significance. Last evaluated: 2025-03-25. Review status: criteria provided, single submitter. Criteria: GeneDx Variant Classification Process June 2021. Collection method: clinical testing. Allele origin: germline. Affected: yes.
Comment: Has not been previously published as pathogenic or benign in association with TAAD to our knowledge; In silico analysis supports that this missense variant has a deleterious effect on protein structure/function; This variant is associated with the following publications: (PMID: 18391202, 21529752)

ARUP Laboratories, Molecular Genetics and Genomics, ARUP Laboratories
Classification: Likely benign. Last evaluated: 2020-12-30. Review status: criteria provided, single submitter. Criteria: ARUP Molecular Germline Variant Investigation Process 2021. Collection method: clinical testing. Allele origin: germline.

Color Diagnostics, LLC DBA Color Health
Classification: Likely benign for Familial thoracic aortic aneurysm and aortic dissection. Last evaluated: 2018-10-03. Review status: criteria provided, single submitter. Criteria: ACMG Guidelines, 2015. Collection method: clinical testing. Allele origin: germline.

Center for Human Genetics, Inc
Classification: Likely benign for Connective tissue disorder. Last evaluated: 2018-06-01. Review status: criteria provided, single submitter. Criteria: ACMG Guidelines, 2015. Collection method: clinical testing. Allele origin: germline. Affected: yes.

PreventionGenetics, part of Exact Sciences
Classification: Likely benign for MYH11-related condition. Last evaluated: 2020-09-02. Review status: no assertion criteria provided. Collection method: clinical testing. Allele origin: germline. Not counted in ClinVar's aggregate classification.
Comment: This variant is classified as likely benign based on ACMG/AMP sequence variant interpretation guidelines (Richards et al. 2015 PMID: 25741868, with internal and published modifications).

Literature cited by the submitters: PubMed 21529752 (cited by Ambry Genetics).